The following is an entry in ClinVar:

NM_002470.4(MYH3):c.4032_4033delinsAA (p.Leu1344_Arg1345=)

Gene: MYH3 (myosin heavy chain 3; minus strand). Cytogenetic location: 17p13.1.
Variant type: Indel.
Coding change: c.4032_4033delinsAA on transcript NM_002470.4 (MANE Select); coding-DNA positions 4032 to 4033, GC replaced by AA.
Protein change: p.Leu1344_Arg1345=.
Molecular consequence: synonymous variant.
Genome position (GRCh38, 1-based): chr17:10,635,506-10,635,507, GC replaced by TT on the plus strand (GC replaced by AA on the coding strand, the reverse complement: MYH3 is on the minus strand). VCF-style: chr17-10635506-GC-TT. GRCh37 (hg19) VCF-style: chr17-10538823-GC-TT.
Identifiers: ClinVar variation 2021373 (VCV002021373.4), dbSNP rs2508583346, ClinGen allele CA2580092503.

ClinVar aggregate classification (germline): Uncertain significance (1 of 4 stars; one submission).

Submission:

Labcorp Genetics (formerly Invitae), Labcorp
Classification: Uncertain significance. Last evaluated: 2022-08-03. Review status: criteria provided, single submitter. Criteria: Invitae Variant Classification Sherloc (09022015). Collection method: clinical testing. Allele origin: germline.
Comment: This sequence change affects codon 1344 of the MYH3 mRNA. It is a 'silent' change, meaning that it does not change the encoded amino acid sequence of the MYH3 protein. In summary, the available evidence is currently insufficient to determine the role of this variant in disease. Therefore, it has been classified as a Variant of Uncertain Significance. Experimental studies and prediction algorithms are not available or were not evaluated, and the effect of this variant on mRNA splicing is currently unknown. This variant has not been reported in the literature in individuals affected with MYH3-related conditions. Information on the frequency of this variant in the gnomAD database is not available, as this variant may be reported differently in the database.